The following is an entry in ClinVar:

ClinVar aggregate classification (germline): Uncertain significance (1 of 4 stars; one submission).

Submission:

Labcorp Genetics (formerly Invitae), Labcorp
Classification: Uncertain significance. Last evaluated: 2022-04-28. Review status: criteria provided, single submitter. Criteria: Invitae Variant Classification Sherloc (09022015). Collection method: clinical testing. Allele origin: germline.
Comment: In summary, the available evidence is currently insufficient to determine the role of this variant in disease. Therefore, it has been classified as a Variant of Uncertain Significance. Algorithms developed to predict the effect of missense changes on protein structure and function (SIFT, PolyPhen-2, Align-GVGD) all suggest that this variant is likely to be disruptive. This variant has not been reported in the literature in individuals affected with RSPO2-related conditions. This variant is not present in population databases (gnomAD no frequency). This sequence change replaces asparagine, which is neutral and polar, with tyrosine, which is neutral and polar, at codon 50 of the RSPO2 protein (p.Asn50Tyr).

NM_178565.5(RSPO2):c.148A>T (p.Asn50Tyr)

Gene: RSPO2 (R-spondin 2; minus strand). Cytogenetic location: 8q23.1.
Variant type: single nucleotide variant.
Coding change: c.148A>T on transcript NM_178565.5 (MANE Select); coding-DNA position 148, A replaced by T.
Protein change: p.Asn50Tyr; replaces asparagine 50 with tyrosine.
Molecular consequence: missense variant. On other transcripts: 5 prime UTR variant (1), intron variant (1).
Genome position (GRCh38, 1-based): chr8:107,989,191, T>A on the plus strand (A>T on the coding strand, the complement: RSPO2 is on the minus strand). VCF-style: chr8-107989191-T-A. GRCh37 (hg19) VCF-style: chr8-109001419-T-A.
Other names: c.-54A>T (NM_001317942.2); c.95-28374A>T (NM_001282863.2); short protein forms N50Y.
Identifiers: ClinVar variation 2118618 (VCV002118618.4), dbSNP rs2537343748, ClinGen allele CA372036330.
Genomic context (GRCh38, chr8:107,989,191, plus strand): 5'-GGCGCATCCCTTCTCTTCGAAGGAAGAAGAACAACTTCTGTTGACATCGGCTACACCCAT[T>A]GTCCTTTGAACAAGACAAACAACCCTTGCAAATGGGATTTGATACATAACTAGCTGTAAA-3'
Protein context (NP_848660.3, residues 40-60): CKGCLSCSKD[Asn50Tyr]GCSRCQQKLF